The following is an entry in ClinVar:

NM_004171.4(SLC1A2):c.353C>T (p.Thr118Met)

Gene: SLC1A2 (solute carrier family 1 member 2; minus strand). Cytogenetic location: 11p13.
Variant type: single nucleotide variant.
Coding change: c.353C>T on transcript NM_004171.4 (MANE Select); coding-DNA position 353, C replaced by T.
Protein change: p.Thr118Met; replaces threonine 118 with methionine.
Molecular consequence: missense variant.
Genome position (GRCh38, 1-based): chr11:35,312,406, G>A on the plus strand (C>T on the coding strand, the complement: SLC1A2 is on the minus strand). VCF-style: chr11-35312406-G-A. GRCh37 (hg19) VCF-style: chr11-35333953-G-A.
Other names: c.326C>T, p.Thr109Met (NM_001195728.3, NM_001252652.2); short protein forms T118M, T109M.
Identifiers: ClinVar variation 1525219 (VCV001525219.7), dbSNP rs754805324, ClinGen allele CA5947335.

ClinVar aggregate classification (germline): Uncertain significance. Review status: criteria provided, multiple submitters, no conflicts (2 of 4 stars). 2 submissions from 2 submitters: Uncertain significance (2). Last evaluated 2025-09-10.

Conditions:
Developmental and epileptic encephalopathy, 41 (DEE41). Also called: Epileptic encephalopathy, early infantile, 41. Identifiers: MedGen C4310717, MONDO:0014916, OMIM 617105.

Allele frequency attached by ClinVar (database versions not stated): gnomAD exomes below 0.00001 and 0.00002; TOPMed below 0.00001; ExAC 0.00001; gnomAD 0.00001.
gnomAD v4.1: 10 of 1,614,000 alleles (0.00062%); highest among the groups gnomAD compares: East Asian, 0.0089%; no homozygotes.

Submissions (2):

Genomic Medicine Center of Excellence, King Faisal Specialist Hospital and Research Centre
Classification: Uncertain significance for Developmental and epileptic encephalopathy, 41. Last evaluated: 2025-09-10. Review status: criteria provided, single submitter. Criteria: ACMG Guidelines, 2015. Collection method: clinical testing. Allele origin: germline.

Labcorp Genetics (formerly Invitae), Labcorp
Classification: Uncertain significance. Last evaluated: 2024-12-30. Review status: criteria provided, single submitter. Criteria: Invitae Variant Classification Sherloc (09022015). Collection method: clinical testing. Allele origin: germline.
Comment: This sequence change replaces threonine, which is neutral and polar, with methionine, which is neutral and non-polar, at codon 118 of the SLC1A2 protein (p.Thr118Met). This variant is present in population databases (rs754805324, gnomAD 0.01%). This variant has not been reported in the literature in individuals affected with SLC1A2-related conditions. ClinVar contains an entry for this variant (Variation ID: 1525219). Invitae Evidence Modeling of protein sequence and biophysical properties (such as structural, functional, and spatial information, amino acid conservation, physicochemical variation, residue mobility, and thermodynamic stability) indicates that this missense variant is not expected to disrupt SLC1A2 protein function with a negative predictive value of 80%. In summary, the available evidence is currently insufficient to determine the role of this variant in disease. Therefore, it has been classified as a Variant of Uncertain Significance.